The following is an entry in ClinVar:

NM_025137.4(SPG11):c.257+13G>A

Gene: SPG11 (SPG11 vesicle trafficking associated, spatacsin; minus strand). Cytogenetic location: 15q21.1.
Variant type: single nucleotide variant.
Coding change: c.257+13G>A on transcript NM_025137.4 (MANE Select); 13 bases into the intron after coding-DNA position 257, G replaced by A.
Molecular consequence: intron variant.
Genome position (GRCh38, 1-based): chr15:44,663,378, C>T on the plus strand (G>A on the coding strand, the complement: SPG11 is on the minus strand). VCF-style: chr15-44663378-C-T. GRCh37 (hg19) VCF-style: chr15-44955576-C-T.
Other names: c.257+13G>A (NM_001160227.2).
Identifiers: ClinVar variation 316115 (VCV000316115.21), dbSNP rs201936649, ClinGen allele CA7535917.

ClinVar aggregate classification (germline): Conflicting classifications of pathogenicity. Review status: criteria provided, conflicting classifications (1 of 4 stars). 9 submissions from 9 submitters: Uncertain significance (1); Benign (1); Likely benign (4). 3 of the submissions do not count toward it. Last evaluated 2026-03-25.

Conditions:
SPG11-related disorder. Also called: SPG11-related condition.
Hereditary spastic paraplegia 11. Also called: Nakamura Osame syndrome; Autosomal recessive hereditary spastic paraplegia, mental impairment, and thin corpus callosum; SPASTIC PARAPLEGIA, AUTOSOMAL RECESSIVE, COMPLICATED, WITH THIN CORPUS CALLOSUM; SPASTIC PARAPLEGIA, AUTOSOMAL RECESSIVE, WITH MENTAL IMPAIRMENT AND THIN CORPUS CALLOSUM; Spastic Paraplegia 11; Spastic paraplegia, mental retardation and thin corpus callosum. Identifiers: Orphanet 2822, MedGen C1858479, MONDO:0011445, OMIM 604360.

Allele frequency attached by ClinVar (database versions not stated): gnomAD 0.00032 and 0.00035; TOPMed 0.00037; 1000 Genomes Project 0.00040; ESP Exome Variant Server 0.00045; 1000 Genomes Project 30x 0.00047; gnomAD exomes 0.00053 and 0.00091; ExAC 0.00091.
gnomAD v4.1: 1,348 of 1,605,322 alleles (0.084%); highest among the groups gnomAD compares: South Asian, 0.18%; 3 homozygotes.

Submissions (9):

Women's Health and Genetics/Laboratory Corporation of America, LabCorp
Classification: Likely benign. Last evaluated: 2026-03-25. Review status: criteria provided, single submitter. Criteria: LabCorp Variant Classification Summary - May 2015. Collection method: clinical testing. Allele origin: germline.
Comment: Variant summary: SPG11 c.257+13G>A alters a nucleotide located at a position not widely known to affect splicing. Consensus agreement among computation tools predict no significant impact on normal splicing. However, these predictions have yet to be confirmed by functional studies. The variant allele was found at a frequency of 0.00053 in 226854 control chromosomes in the gnomAD database, including 1 homozygotes. This frequency is not significantly higher than estimated for disease-causing variants in SPG11, allowing no conclusion about variant significance. To our knowledge, no occurrence of c.257+13G>A in individuals affected with SPG11-related conditions and no experimental evidence demonstrating its impact on protein function have been reported. ClinVar contains an entry for this variant (Variation ID: 316115). Based on the evidence outlined above, the variant was classified as likely benign.

Labcorp Genetics (formerly Invitae), Labcorp
Classification: Benign for Hereditary spastic paraplegia 11. Last evaluated: 2026-02-03. Review status: criteria provided, single submitter. Criteria: Invitae Variant Classification Sherloc (09022015). Collection method: clinical testing. Allele origin: germline.

Blueprint Genetics
Classification: Likely benign. Last evaluated: 2024-10-08. Review status: criteria provided, single submitter. Criteria: ACMG Guidelines, 2015. Collection method: clinical testing. Allele origin: germline.

Illumina Laboratory Services, Illumina
Classification: Uncertain significance for Hereditary spastic paraplegia 11. Last evaluated: 2018-01-13. Review status: criteria provided, single submitter. Criteria: ICSL Variant Classification Criteria 13 December 2019. Collection method: clinical testing. Allele origin: germline.

GeneDx
Classification: Likely benign. Last evaluated: 2017-09-07. Review status: criteria provided, single submitter. Criteria: GeneDx Variant Classification (06012015). Collection method: clinical testing. Allele origin: germline. Affected: yes.
Comment: This variant is considered likely benign or benign based on one or more of the following criteria: it is a conservative change, it occurs at a poorly conserved position in the protein, it is predicted to be benign by multiple in silico algorithms, and/or has population frequency not consistent with disease.

Genome Diagnostics Laboratory, University Medical Center Utrecht
Classification: Likely benign for Hereditary spastic paraplegia 11. Last evaluated: 2016-04-19. Review status: criteria provided, single submitter. Criteria: ACGS Guidelines, 2013. Collection method: clinical testing. Allele origin: germline. Affected: yes. Study: VKGL Data-share Consensus.

PreventionGenetics, part of Exact Sciences
Classification: Likely benign for SPG11-related condition. Last evaluated: 2022-10-27. Review status: no assertion criteria provided. Collection method: clinical testing. Allele origin: germline. Not counted in ClinVar's aggregate classification.
Comment: This variant is classified as likely benign based on ACMG/AMP sequence variant interpretation guidelines (Richards et al. 2015 PMID: 25741868, with internal and published modifications).

Genome Diagnostics Laboratory, Amsterdam University Medical Center
Classification: Likely benign for Hereditary spastic paraplegia 11. Last evaluated: 2017-11-21. Review status: no assertion criteria provided. Criteria: ACGS Guidelines, 2013. Collection method: clinical testing. Allele origin: germline. Affected: yes. Study: VKGL Data-share Consensus. Not counted in ClinVar's aggregate classification.

Clinical Genetics, Academic Medical Center
Classification: Likely benign. Review status: no assertion criteria provided. Collection method: clinical testing. Allele origin: germline. Affected: yes. Study: VKGL Data-share Consensus. Not counted in ClinVar's aggregate classification.